The following is an entry in ClinVar:

NM_002397.5(MEF2C):c.788G>T (p.Ser263Ile)

Gene: MEF2C (myocyte enhancer factor 2C; minus strand). Cytogenetic location: 5q14.3.
Variant type: single nucleotide variant.
Coding change: c.788G>T on transcript NM_002397.5 (MANE Select); coding-DNA position 788, G replaced by T.
Protein change: p.Ser263Ile; replaces serine 263 with isoleucine.
Molecular consequence: missense variant.
Genome position (GRCh38, 1-based): chr5:88,731,751, C>A on the plus strand (G>T on the coding strand, the complement: MEF2C is on the minus strand). VCF-style: chr5-88731751-C-A. GRCh37 (hg19) VCF-style: chr5-88027568-C-A.
Other names: c.788G>T, p.Ser263Ile (NM_001364336.2, NM_001364337.2, NM_001364339.2 and 18 more transcripts); c.842G>T, p.Ser281Ile (NM_001364338.2, NM_001193347.1); c.782G>T, p.Ser261Ile (NM_001364343.2, NM_001131005.2, NM_001364352.2); c.644G>T, p.Ser215Ile (NM_001364344.2, NM_001193348.1, NM_001193349.3 and 3 more transcripts); c.410G>T, p.Ser137Ile (NM_001364353.2, NM_001364356.2); c.362G>T, p.Ser121Ile (NM_001364357.2); short protein forms S137I, S261I, S263I, S215I, S121I, S281I.
Identifiers: ClinVar variation 1356476 (VCV001356476.8), dbSNP rs2152279598, ClinGen allele CA360423198.

ClinVar aggregate classification (germline): Uncertain significance (1 of 4 stars; one submission).

Conditions:
Neurodevelopmental disorder with hypotonia, stereotypic hand movements, and impaired language. Also called: Intellectual disability, autosomal dominant 20. Identifiers: Orphanet 228384, Orphanet 664410, MedGen C3150700, MONDO:0013266, OMIM 613443.

Submission:

Labcorp Genetics (formerly Invitae), Labcorp
Classification: Uncertain significance for Neurodevelopmental disorder with hypotonia, stereotypic hand movements, and impaired language. Last evaluated: 2022-11-22. Review status: criteria provided, single submitter. Criteria: Invitae Variant Classification Sherloc (09022015). Collection method: clinical testing. Allele origin: germline.
Comment: ClinVar contains an entry for this variant (Variation ID: 1356476). In summary, the available evidence is currently insufficient to determine the role of this variant in disease. Therefore, it has been classified as a Variant of Uncertain Significance. Advanced modeling of protein sequence and biophysical properties (such as structural, functional, and spatial information, amino acid conservation, physicochemical variation, residue mobility, and thermodynamic stability) has been performed at Invitae for this missense variant, however the output from this modeling did not meet the statistical confidence thresholds required to predict the impact of this variant on MEF2C protein function. This variant has not been reported in the literature in individuals affected with MEF2C-related conditions. This variant is not present in population databases (gnomAD no frequency). This sequence change replaces serine, which is neutral and polar, with isoleucine, which is neutral and non-polar, at codon 263 of the MEF2C protein (p.Ser263Ile).